The following is an entry in ClinVar:

ClinVar aggregate classification (germline): Uncertain significance. Review status: criteria provided, multiple submitters, no conflicts (2 of 4 stars). 2 submissions from 2 submitters: Uncertain significance (2). Last evaluated 2026-03-17.

Conditions:
JAG1-related disorder. Also called: JAG1-related condition; JAG1-related disorders.
Cardiovascular phenotype. Identifiers: MedGen CN230736.

gnomAD v4.1: 4 of 1,612,958 alleles (0.00025%); highest among the groups gnomAD compares: East Asian, 0.0089%; no homozygotes.

Submissions (2):

PreventionGenetics, part of Exact Sciences
Classification: Uncertain significance for JAG1-related condition. Last evaluated: 2026-03-17. Review status: criteria provided, single submitter. Criteria: ACMG Guidelines, 2015. Collection method: clinical testing. Allele origin: germline.
Comment: The JAG1 c.2604T>A variant is predicted to result in the amino acid substitution p.Ser868Arg. To our knowledge, this variant has not been reported in the literature. This variant is reported in 0.016% of alleles in individuals of East Asian descent in gnomAD v2. However, in gnomAD v4 (available only on GRCh38), this variant is reported in 0.0089% of alleles in individuals of East Asian descent. At this time, the clinical significance of this variant is uncertain due to the absence of conclusive functional and genetic evidence.

Ambry Genetics
Classification: Uncertain significance for Cardiovascular phenotype. Last evaluated: 2024-02-22. Review status: criteria provided, single submitter. Criteria: Ambry Variant Classification Scheme 2023. Collection method: clinical testing. Allele origin: germline.
Comment: The p.S868R variant (also known as c.2604T>A), located in coding exon 22 of the JAG1 gene, results from a T to A substitution at nucleotide position 2604. The serine at codon 868 is replaced by arginine, an amino acid with dissimilar properties. This amino acid position is conserved. In addition, this alteration is predicted to be tolerated by in silico analysis. Based on the available evidence, the clinical significance of this alteration remains unclear.

NM_000214.3(JAG1):c.2604T>A (p.Ser868Arg)

Gene: JAG1 (jagged canonical Notch ligand 1; minus strand). Cytogenetic location: 20p12.2.
Variant type: single nucleotide variant.
Coding change: c.2604T>A on transcript NM_000214.3 (MANE Select); coding-DNA position 2604, T replaced by A.
Protein change: p.Ser868Arg; replaces serine 868 with arginine.
Molecular consequence: missense variant.
Genome position (GRCh38, 1-based): chr20:10,641,861, A>T on the plus strand (T>A on the coding strand, the complement: JAG1 is on the minus strand). VCF-style: chr20-10641861-A-T. GRCh37 (hg19) VCF-style: chr20-10622509-A-T.
Other names: short protein forms S868R.
Identifiers: ClinVar variation 3230617 (VCV003230617.2), dbSNP rs138189639, ClinGen allele CA9764438.